The following is an entry in ClinVar:

NM_001394639.1(MROH2A):c.2857C>T (p.Leu953Phe)

Gene: MROH2A (maestro heat like repeat family member 2A; plus strand). Cytogenetic location: 2q37.1.
Variant type: single nucleotide variant.
Coding change: c.2857C>T on transcript NM_001394639.1 (MANE Select); coding-DNA position 2857, C replaced by T.
Protein change: p.Leu953Phe; replaces leucine 953 with phenylalanine.
Molecular consequence: missense variant.
Genome position (GRCh38, 1-based): chr2:233,816,781, C>T. VCF-style: chr2-233816781-C-T. GRCh37 (hg19) VCF-style: chr2-234725427-C-T.
Other names: c.2857C>T, p.Leu953Phe (NM_001367507.1); short protein forms L953F.
Identifiers: ClinVar variation 2652026 (VCV002652026.24), dbSNP rs115274498, ClinGen allele CA2180593.

ClinVar aggregate classification (germline): Likely benign (1 of 4 stars; one submission).

Allele frequency attached by ClinVar (database versions not stated): 1000 Genomes Project 30x 0.00219; 1000 Genomes Project 0.00240; ExAC 0.00253; TOPMed 0.00381; gnomAD 0.00434; gnomAD exomes 0.00616.
gnomAD v4.1: 9,190 of 1,549,136 alleles (0.59%); highest among the groups gnomAD compares: Non-Finnish European, 0.71%; 50 homozygotes.

Submission:

CeGaT Center for Human Genetics Tuebingen
Classification: Likely benign. Last evaluated: 2023-03-01. Review status: criteria provided, single submitter. Criteria: CeGaT Center For Human Genetics Tuebingen Variant Classification Criteria Version 2. Collection method: clinical testing. Allele origin: germline. Affected: yes. Observed: 1 variant allele.
Comment: MROH2A: BP4, BS2